The following is an entry in ClinVar:

NM_002900.3(RBP3):c.2669A>G (p.Tyr890Cys)

Gene: RBP3 (retinol binding protein 3; plus strand). Cytogenetic location: 10q11.22.
Variant type: single nucleotide variant.
Coding change: c.2669A>G on transcript NM_002900.3 (MANE Select); coding-DNA position 2669, A replaced by G.
Protein change: p.Tyr890Cys; replaces tyrosine 890 with cysteine.
Molecular consequence: missense variant.
Genome position (GRCh38, 1-based): chr10:47,351,153, A>G. VCF-style: chr10-47351153-A-G. GRCh37 (hg19) VCF-style: chr10-48388209-T-C.
Other names: short protein forms Y890C.
Identifiers: ClinVar variation 1918564 (VCV001918564.5), dbSNP rs370396122, ClinGen allele CA5487227.

ClinVar aggregate classification (germline): Uncertain significance (1 of 4 stars; one submission).

Allele frequency attached by ClinVar (database versions not stated): TOPMed 0.00001; ExAC 0.00002; gnomAD 0.00002; ESP Exome Variant Server 0.00008.

Submission:

Labcorp Genetics (formerly Invitae), Labcorp
Classification: Uncertain significance. Last evaluated: 2021-12-21. Review status: criteria provided, single submitter. Criteria: Invitae Variant Classification Sherloc (09022015). Collection method: clinical testing. Allele origin: germline.
Comment: This sequence change replaces tyrosine, which is neutral and polar, with cysteine, which is neutral and slightly polar, at codon 890 of the RBP3 protein (p.Tyr890Cys). In summary, the available evidence is currently insufficient to determine the role of this variant in disease. Therefore, it has been classified as a Variant of Uncertain Significance. Algorithms developed to predict the effect of missense changes on protein structure and function are either unavailable or do not agree on the potential impact of this missense change (SIFT: "Deleterious"; PolyPhen-2: "Probably Damaging"; Align-GVGD: "Class C0"). This variant has not been reported in the literature in individuals affected with RBP3-related conditions. This variant is present in population databases (rs370396122, gnomAD 0.003%).